The following is an entry in ClinVar:

NM_000294.3(PHKG2):c.959G>A (p.Arg320Gln)

Gene: PHKG2 (phosphorylase kinase catalytic subunit gamma 2; plus strand). Cytogenetic location: 16p11.2.
Variant type: single nucleotide variant.
Coding change: c.959G>A on transcript NM_000294.3 (MANE Select); coding-DNA position 959, G replaced by A.
Protein change: p.Arg320Gln; replaces arginine 320 with glutamine.
Molecular consequence: missense variant.
Genome position (GRCh38, 1-based): chr16:30,756,835, G>A. VCF-style: chr16-30756835-G-A. GRCh37 (hg19) VCF-style: chr16-30768156-G-A.
Other names: c.959G>A, p.Arg320Gln (NM_001172432.2); short protein forms R320Q.
Identifiers: ClinVar variation 834218 (VCV000834218.7), dbSNP rs756345604, ClinGen allele CA8013367.
Genomic context (GRCh38, chr16:30,756,835, plus strand): 5'-ACTAGAGCTCACCCTGCCCCCCTTCCCAGGTGGCAGTGTGGACAGTGCTGGCTGCTGGAC[G>A]AGTGGCCCTAAGCACCCATCGTGTACGGCCACTGACCAAGAATGCACTGTTGAGGGACCC-3'
Protein context (NP_000285.1, residues 310-330): VAVWTVLAAG[Arg320Gln]VALSTHRVRP

ClinVar aggregate classification (germline): Uncertain significance (1 of 4 stars; one submission).

Conditions:
Glycogen storage disease IXc (GSD9C). Also called: GSD IXc. Identifiers: Orphanet 264580, MedGen C2751643, MONDO:0013091, OMIM 613027.

Allele frequency attached by ClinVar (database versions not stated): gnomAD 0.00002; gnomAD exomes 0.00002 and 0.00004; TOPMed 0.00003; ExAC 0.00004.
gnomAD v4.1: 26 of 1,614,018 alleles (0.0016%); highest among the groups gnomAD compares: East Asian, 0.013%; no homozygotes.

Submission:

Labcorp Genetics (formerly Invitae), Labcorp
Classification: Uncertain significance for Glycogen storage disease IXc. Last evaluated: 2022-04-06. Review status: criteria provided, single submitter. Criteria: Invitae Variant Classification Sherloc (09022015). Collection method: clinical testing. Allele origin: germline.
Comment: This sequence change replaces arginine, which is basic and polar, with glutamine, which is neutral and polar, at codon 320 of the PHKG2 protein (p.Arg320Gln). This variant is present in population databases (rs756345604, gnomAD 0.01%). This variant has not been reported in the literature in individuals affected with PHKG2-related conditions. ClinVar contains an entry for this variant (Variation ID: 834218). Advanced modeling of protein sequence and biophysical properties (such as structural, functional, and spatial information, amino acid conservation, physicochemical variation, residue mobility, and thermodynamic stability) performed at Invitae indicates that this missense variant is not expected to disrupt PHKG2 protein function. In summary, the available evidence is currently insufficient to determine the role of this variant in disease. Therefore, it has been classified as a Variant of Uncertain Significance.